The following is an entry in ClinVar:

NM_020340.5(ARFGEF3):c.1248C>T (p.Ile416=)

Gene: ARFGEF3 (ARFGEF family member 3; plus strand). Cytogenetic location: 6q23.3.
Variant type: single nucleotide variant.
Coding change: c.1248C>T on transcript NM_020340.5 (MANE Select); coding-DNA position 1248, C replaced by T.
Protein change: p.Ile416=; no amino-acid change (isoleucine 416 retained).
Molecular consequence: synonymous variant.
Genome position (GRCh38, 1-based): chr6:138,262,731, C>T. VCF-style: chr6-138262731-C-T. GRCh37 (hg19) VCF-style: chr6-138583868-C-T.
Identifiers: ClinVar variation 792058 (VCV000792058.5), dbSNP rs34628698, ClinGen allele CA4020542.

ClinVar aggregate classification (germline): Benign. Review status: criteria provided, single submitter (1 of 4 stars). 2 submissions from 2 submitters: Benign (1). 1 of the submissions does not count toward it. Last evaluated 2018-10-09.

Conditions:
ARFGEF3-related disorder. Also called: ARFGEF3-related condition.

Allele frequency attached by ClinVar (database versions not stated): ExAC 0.00819; 1000 Genomes Project 0.02097; 1000 Genomes Project 30x 0.02280; gnomAD 0.02546 and 0.02758; TOPMed 0.02863; ESP Exome Variant Server 0.03129.
gnomAD v4.1: 7,616 of 1,609,068 alleles (0.47%); highest among the groups gnomAD compares: African/African-American, 9.1%; 341 homozygotes.

Submissions (2):

Labcorp Genetics (formerly Invitae), Labcorp
Classification: Benign. Last evaluated: 2018-10-09. Review status: criteria provided, single submitter. Criteria: Invitae Variant Classification Sherloc (09022015). Collection method: clinical testing. Allele origin: germline.

PreventionGenetics, part of Exact Sciences
Classification: Benign for ARFGEF3-related condition. Last evaluated: 2019-03-14. Review status: no assertion criteria provided. Collection method: clinical testing. Allele origin: germline. Not counted in ClinVar's aggregate classification.
Comment: This variant is classified as benign based on ACMG/AMP sequence variant interpretation guidelines (Richards et al. 2015 PMID: 25741868, with internal and published modifications).